The following is an entry in ClinVar:

ClinVar aggregate classification (germline): Uncertain significance (1 of 4 stars; one submission).

Submission:

Labcorp Genetics (formerly Invitae), Labcorp
Classification: Uncertain significance. Last evaluated: 2023-11-27. Review status: criteria provided, single submitter. Criteria: Invitae Variant Classification Sherloc (09022015). Collection method: clinical testing. Allele origin: germline.
Comment: This sequence change replaces aspartic acid, which is acidic and polar, with leucine, which is neutral and non-polar, at codon 618 of the INSR protein (p.Asp618Leu). Information on the frequency of this variant in the gnomAD database is not available, as this variant may be reported differently in the database. This variant has not been reported in the literature in individuals affected with INSR-related conditions. ClinVar contains an entry for this variant (Variation ID: 2004342). An algorithm developed to predict the effect of missense changes on protein structure and function (PolyPhen-2) suggests that this variant is likely to be tolerated. In summary, the available evidence is currently insufficient to determine the role of this variant in disease. Therefore, it has been classified as a Variant of Uncertain Significance.

NM_000208.4(INSR):c.1852_1853delinsCT (p.Asp618Leu)

Gene: INSR (insulin receptor; minus strand). Cytogenetic location: 19p13.2.
Variant type: Indel.
Coding change: c.1852_1853delinsCT on transcript NM_000208.4 (MANE Select); coding-DNA positions 1852 to 1853, GA replaced by CT.
Protein change: p.Asp618Leu; replaces aspartic acid 618 with leucine.
Molecular consequence: missense variant.
Genome position (GRCh38, 1-based): chr19:7,166,162-7,166,163, TC replaced by AG on the plus strand (GA replaced by CT on the coding strand, the reverse complement: INSR is on the minus strand). VCF-style: chr19-7166162-TC-AG. GRCh37 (hg19) VCF-style: chr19-7166173-TC-AG.
Other names: c.1852_1853delinsCT, p.Asp618Leu (NM_001079817.3); short protein forms D618L.
Identifiers: ClinVar variation 2004342 (VCV002004342.4), dbSNP rs2512359865, ClinGen allele CA2580097056.